The following is an entry in ClinVar:

ClinVar aggregate classification (germline): Likely pathogenic. Review status: criteria provided, multiple submitters, no conflicts (2 of 4 stars). 2 submissions from 2 submitters: Likely pathogenic (2). Last evaluated 2024-08-29.

Conditions:
Wilson disease (WND). Also called: Wilson's disease. Identifiers: Orphanet 905, MedGen C0019202, MONDO:0010200, OMIM 277900. Disease mechanism: loss of function.

Submissions (2):

Lildballe Lab, Aarhus University Hospital
Classification: Likely pathogenic for Wilson disease. Last evaluated: 2024-08-29. Review status: criteria provided, single submitter. Criteria: ACMG Guidelines, 2015. Collection method: clinical testing. Allele origin: germline. Affected: yes.
Comment: PVS1, PM2

Fulgent Genetics
Classification: Likely pathogenic for Wilson disease. Last evaluated: 2024-01-30. Review status: criteria provided, single submitter. Criteria: ACMG Guidelines, 2015. Collection method: clinical testing. Allele origin: germline.

NM_000053.4(ATP7B):c.3424dup (p.Gln1142fs)

Gene: ATP7B (ATPase copper transporting beta; minus strand). Cytogenetic location: 13q14.3.
Variant type: Duplication.
Coding change: c.3424dup on transcript NM_000053.4 (MANE Select); coding-DNA position 3424, one base duplicated (C; older notation c.3424dupC).
Protein change: p.Gln1142fs; shifts the reading frame from glutamine 1142.
Molecular consequence: frameshift variant. On other transcripts: intron variant (2).
Genome position (GRCh38, 1-based): chr13:51,941,213, G duplicated on the plus strand (C on the coding strand, the reverse complement: ATP7B is on the minus strand); the first of 5 consecutive G bases (chr13:51,941,213-51,941,217); duplicating any one gives the same sequence. VCF-style (leftmost placement, unchanged base first): chr13-51941212-T-TG. GRCh37 (hg19) VCF-style: chr13-52515348-T-TG.
Other names: c.2743dup, p.Gln915fs (NM_001406546.1); c.2581dup, p.Gln861fs (NM_001406547.1); c.2134dup, p.Gln712fs (NM_001406548.1); c.3064+1173dup (NM_001406543.1); c.3178+1173dup (NM_001406538.1); c.3172dup, p.Gln1058fs (NM_001406531.1, NM_001406532.1, NM_001330579.2); c.3136dup, p.Gln1046fs (NM_001406534.1); c.3094dup, p.Gln1032fs (NM_001406535.1, NM_001406536.1); and 21 more; short protein forms Q1029fs, Q1031fs, Q1077fs, Q1081fs, Q712fs, Q915fs, Q935fs, Q948fs.
Identifiers: ClinVar variation 3576286 (VCV003576286.2).